The following is an entry in ClinVar:

NM_177438.3(DICER1):c.4177A>G (p.Asn1393Asp)

Gene: DICER1 (dicer 1, ribonuclease III; minus strand). Cytogenetic location: 14q32.13.
Variant type: single nucleotide variant.
Coding change: c.4177A>G on transcript NM_177438.3 (MANE Select); coding-DNA position 4177, A replaced by G.
Protein change: p.Asn1393Asp; replaces asparagine 1393 with aspartic acid.
Molecular consequence: missense variant. On other transcripts: non-coding transcript variant (6).
Genome position (GRCh38, 1-based): chr14:95,099,809, T>C on the plus strand (A>G on the coding strand, the complement: DICER1 is on the minus strand). VCF-style: chr14-95099809-T-C. GRCh37 (hg19) VCF-style: chr14-95566146-T-C.
Other names: c.4177A>G, p.Asn1393Asp (NM_001195573.1, NM_001271282.3, NM_001291628.2 and 12 more transcripts); c.3895A>G, p.Asn1299Asp (NM_001395686.1); c.3772A>G, p.Asn1258Asp (NM_001395687.1, NM_001395688.1, NM_001395689.1 and 2 more transcripts); c.3610A>G, p.Asn1204Asp (NM_001395691.1); c.2494A>G, p.Asn832Asp (NM_001395697.1); short protein forms N1258D, N832D, N1299D, N1393D, N1204D.
Identifiers: ClinVar variation 4011639 (VCV004011639.1).

ClinVar aggregate classification (germline): Uncertain significance (1 of 4 stars; one submission).

Conditions:
Hereditary cancer-predisposing syndrome. Also called: Tumor predisposition; Hereditary neoplastic syndrome; Neoplastic Syndromes, Hereditary; Hereditary Cancer Syndrome. Identifiers: Orphanet 140162, MedGen C0027672, MeSH D009386, MONDO:0015356.

gnomAD v4.1: 1 of 1,613,822 alleles (0.000062%); highest among the groups gnomAD compares: Middle Eastern, 0.017%; no homozygotes.

Submission:

Ambry Genetics
Classification: Uncertain significance for Hereditary cancer-predisposing syndrome. Last evaluated: 2025-04-18. Review status: criteria provided, single submitter. Criteria: Ambry Variant Classification Scheme 2023. Collection method: clinical testing. Allele origin: germline.
Comment: The p.N1393D variant (also known as c.4177A>G), located in coding exon 21 of the DICER1 gene, results from an A to G substitution at nucleotide position 4177. The asparagine at codon 1393 is replaced by aspartic acid, an amino acid with highly similar properties. This amino acid position is conserved. In addition, this alteration is predicted to be tolerated by in silico analysis. Based on the available evidence, the clinical significance of this variant remains unclear.